The following is an entry in ClinVar:

ClinVar aggregate classification (germline): Uncertain significance (1 of 4 stars; one submission).

Submission:

GeneDx
Classification: Uncertain significance. Last evaluated: 2025-06-12. Review status: criteria provided, single submitter. Criteria: GeneDx Variant Classification Process June 2021. Collection method: clinical testing. Allele origin: germline. Affected: yes.
Comment: Not observed at significant frequency in large population cohorts (gnomAD); Frameshift variant predicted to result in abnormal protein length as the last 14 amino acid(s) are replaced with 33 different amino acid(s); Has not been previously published as pathogenic or benign to our knowledge

NM_021784.5(FOXA2):c.1347dup (p.Tyr450fs)

Gene: FOXA2 (forkhead box A2; minus strand). Cytogenetic location: 20p11.21.
Variant type: Duplication.
Coding change: c.1347dup on transcript NM_021784.5 (MANE Select); coding-DNA position 1347, one base duplicated (C; older notation c.1347dupC).
Protein change: p.Tyr450fs; shifts the reading frame from tyrosine 450.
Molecular consequence: frameshift variant.
Genome position (GRCh38, 1-based): chr20:22,581,895, G duplicated on the plus strand (C on the coding strand, the reverse complement: FOXA2 is on the minus strand); the first of 2 consecutive G bases (chr20:22,581,895-22,581,896); duplicating either gives the same sequence. VCF-style (leftmost placement, unchanged base first): chr20-22581894-A-AG. GRCh37 (hg19) VCF-style: chr20-22562532-A-AG.
Other names: c.1329dup, p.Tyr444fs (NM_153675.3); short protein forms Y444fs, Y450fs.
Identifiers: ClinVar variation 4537788 (VCV004537788.1).